The following is an entry in ClinVar:

ClinVar aggregate classification (germline): Uncertain significance. Review status: criteria provided, multiple submitters, no conflicts (2 of 4 stars). 2 submissions from 2 submitters: Uncertain significance (2). Last evaluated 2025-07-12.

Conditions:
Cardiovascular phenotype. Identifiers: MedGen CN230736.

Allele frequency attached by ClinVar (database versions not stated): gnomAD 0.00002; TOPMed 0.00002.

Submissions (2):

Ambry Genetics
Classification: Uncertain significance for Cardiovascular phenotype. Last evaluated: 2025-07-12. Review status: criteria provided, single submitter. Criteria: Ambry Variant Classification Scheme 2023. Collection method: clinical testing. Allele origin: germline.
Comment: The p.V773I variant (also known as c.2317G>A), located in coding exon 6 of the ALPK3 gene, results from a G to A substitution at nucleotide position 2317. The valine at codon 773 is replaced by isoleucine, an amino acid with highly similar properties. This amino acid position is poorly conserved in available vertebrate species. In addition, this alteration is predicted to be tolerated by in silico analysis. Since supporting evidence is limited at this time, the clinical significance of this alteration remains unclear.

Labcorp Genetics (formerly Invitae), Labcorp
Classification: Uncertain significance. Last evaluated: 2025-04-23. Review status: criteria provided, single submitter. Criteria: Invitae Variant Classification Sherloc (09022015). Collection method: clinical testing. Allele origin: germline.
Comment: This sequence change replaces valine, which is neutral and non-polar, with isoleucine, which is neutral and non-polar, at codon 773 of the ALPK3 protein (p.Val773Ile). This variant is not present in population databases (gnomAD no frequency). This variant has not been reported in the literature in individuals affected with ALPK3-related conditions. ClinVar contains an entry for this variant (Variation ID: 1789502). Invitae Evidence Modeling of protein sequence and biophysical properties (such as structural, functional, and spatial information, amino acid conservation, physicochemical variation, residue mobility, and thermodynamic stability) indicates that this missense variant is not expected to disrupt ALPK3 protein function with a negative predictive value of 80%. In summary, the available evidence is currently insufficient to determine the role of this variant in disease. Therefore, it has been classified as a Variant of Uncertain Significance.

NM_020778.5(ALPK3):c.1711G>A (p.Val571Ile)

Gene: ALPK3 (alpha kinase 3; plus strand). Cytogenetic location: 15q25.3.
Variant type: single nucleotide variant.
Coding change: c.1711G>A on transcript NM_020778.5 (MANE Select); coding-DNA position 1711, G replaced by A.
Protein change: p.Val571Ile; replaces valine 571 with isoleucine.
Molecular consequence: missense variant.
Genome position (GRCh38, 1-based): chr15:84,856,449, G>A. VCF-style: chr15-84856449-G-A. GRCh37 (hg19) VCF-style: chr15-85399680-G-A.
Other names: short protein forms V571I.
Identifiers: ClinVar variation 1789502 (VCV001789502.8), dbSNP rs971738797, ClinGen allele CA273623545.
Genomic context (GRCh38, chr15:84,856,449, plus strand): 5'-CAGGTCCTGGAATGCCAGACAACCACGGCTCCTACCATGTCGGCCAGCAGCAGCTCTGAT[G>A]TAGCCTCCATTGGGGTTAGCACTTCCGGAAGTCAAGGTATCATTGAACCCATGGATATGG-3'
Protein context (NP_065829.4, residues 561-581): PTMSASSSSD[Val571Ile]ASIGVSTSGS